The following is an entry in ClinVar:

ClinVar aggregate classification (germline): Pathogenic. Review status: reviewed by expert panel (3 of 4 stars). 10 submissions from 9 submitters: Pathogenic (1). 9 of the submissions do not count toward it. Last evaluated 2025-04-07.

Conditions:
Mucopolysaccharidosis type 1. Also called: Mucopolysaccharidosis Type I; IDUA deficiency; MPS I. Identifiers: Orphanet 579, MedGen C0023786, MONDO:0001586.
Mucopolysaccharidosis, MPS-I-S. Also called: MUCOPOLYSACCHARIDOSIS TYPE IS; Scheie Syndrome; MPS V; MUCOPOLYSACCHARIDOSIS TYPE V. Identifiers: Orphanet 93474, MedGen C0026708, MONDO:0011760, OMIM 607016.
Hurler syndrome. Also called: MUCOPOLYSACCHARIDOSIS TYPE IH; Gargoylism, Hurler Syndrome; Severe MPS I (Hurler Syndrome). Identifiers: Orphanet 93473, MedGen C0086795, MONDO:0011758, OMIM 607014.
Mucopolysaccharidosis, MPS-I-H/S. Also called: Mucopolysaccharidosis type IH/S. Identifiers: Orphanet 93476, MedGen C0086431, MONDO:0011759, OMIM 607015.

Allele frequency attached by ClinVar (database versions not stated): gnomAD 0.00001; gnomAD exomes 0.00001.
gnomAD v4.1: 20 of 1,600,848 alleles (0.0012%); highest among the groups gnomAD compares: Middle Eastern, 0.017%; no homozygotes.

Submissions (10):

ClinGen Lysosomal Storage Disorder Variant Curation Expert Panel
Classification: Pathogenic for Mucopolysaccharidosis type 1. Last evaluated: 2025-04-07. Review status: reviewed by expert panel. Criteria: ClinGen LSD ACMG Specifications IDUA V1.0.0. Collection method: curation. Allele origin: germline. Inheritance: Autosomal recessive inheritance.
Comment: The NM_000203.5:c.266G>A variant in IDUA is a missense variant predicted to cause substitution of arginine by glutamine at amino acid 89 (p.Arg89Gln). This variant accounts for up to 24% of alleles in Japanese individuals with MPS I (PMID: 8664897). At least 8 probands have been reported with the variant, typically with milder clinical features of MPS I and reduced IDUA activity (PMID: 8213840, 8664897, 2148086) (PP4). Of those individuals, 4 probands and one sibling, were compound heterozygous for the variant and variant that has been classified as pathogenic by the ClinGen Lysosomal Diseases VCEP. None of those were confirmed in trans. The second variants is c.1205G>A (p.Trp402Ter) (PMID: 8213840, 2 patients, 2 x 0.5) and c.613_617dup (p.Glu207AlafsTer29) (PMID: 8664897, 2 probands, 0.5 x 2). Four individuals are homozygous for the variant (PMIDs: 8664897, 21480867, max 2 x 0.5 points). Total 3 points (PM3_Strong). The highest population minor allele frequency in gnomAD v4.1.0 is 0.0001662 (1/6016 alleles) in the Middle Eastern population, which is lower than the ClinGen Lysosomal Diseases VCEP’s threshold for PM2_Supporting (<0.00025), meeting this criterion (PM2_Supporting). This variant alters amino acid Arg89, a residue that has been shown to be important in the active site pocket and substrate binding in IDUA, and therefore has been defined as a critical residue by the ClinGen Lysosomal Diseases VCEP (PMID: 14559116;15862278) (PM1). The computational predictor REVEL gives a score of 0.941 which is above the threshold of 0.773, evidence that correlates with impact to IDUA function at the moderate level based on the specifications of the ClinGen Lysosomal Diseases VCEP (PMID: 36413997) (PP3_Moderate). When expressed in CHO cells, the variant results in <5% WT activity (PMID: 14559116), and reduced amount of protein, and reduced specific activity (PMID: 14559116). Two other variants at the same amino acid position, c.265C>G (p.Arg89Gly) (ClinVar Variation ID: 2843836) and c.265C>T (p.Arg89Trp) (ClinVar Variation ID: 580286), have been reported. The evidence for pathogenicity for p.Arg89Gln will be used in the classification of the other two variants and is not included here to avoid circular logic. There is a ClinVar entry for this variant (Variation ID: 11922). In summary, this variant meets the criteria to be classified as pathogenic for mucopolysaccharidosis type I based on the IDUA-specific ACMG/AMP criteria applied, as specified by the ClinGen Lysosomal Diseases Expert Panel (Specifications Version 1.0.0): PM3_strong, PM1, PP4, PP3_moderate, PM2_supporting. (Classification approved by the ClinGen Lysosomal Diseases Variant Curation Expert Panel on April 7, 2025).

Labcorp Genetics (formerly Invitae), Labcorp
Classification: Pathogenic for Mucopolysaccharidosis type 1. Last evaluated: 2025-12-26. Review status: criteria provided, single submitter. Criteria: Invitae Variant Classification Sherloc (09022015). Collection method: clinical testing. Allele origin: germline. Not counted in ClinVar's aggregate classification.
Comment: This sequence change replaces arginine, which is basic and polar, with glutamine, which is neutral and polar, at codon 89 of the IDUA protein (p.Arg89Gln). The frequency data for this variant in the population databases is considered unreliable, as metrics indicate poor data quality at this position in the gnomAD database. This missense change has been observed in individual(s) with mucopolysaccharidosis type I (PMID: 8680403, 21462124, 29282708). ClinVar contains an entry for this variant (Variation ID: 11922). Invitae Evidence Modeling of protein sequence and biophysical properties (such as structural, functional, and spatial information, amino acid conservation, physicochemical variation, residue mobility, and thermodynamic stability) indicates that this missense variant is expected to disrupt IDUA protein function with a positive predictive value of 95%. For these reasons, this variant has been classified as Pathogenic.

Natera, Inc.
Classification: Pathogenic for Mucopolysaccharidosis type I. Last evaluated: 2025-07-25. Review status: criteria provided, single submitter. Criteria: Natera Variant Classification Schema (03/2026). Collection method: clinical testing. Allele origin: germline. Not counted in ClinVar's aggregate classification.
Comment: The c.266G>A variant in IDUA is a missense variant predicted to cause substitution of arginine to glutamine at amino acid 89. This variant is rare in the general population with a frequency below the threshold expected for the associated phenotype(s). This variant has been observed in one or more individuals affected with the associated recessive disease, as either homozygous or compound heterozygous with a second variant (PMID: 8213840, 12559846, 21480867, 29976218). Functional studies show that this variant may disrupt protein function (PMID: 21480867). Given the available evidence, this variant is classified as Pathogenic.

Fulgent Genetics
Classification: Pathogenic for Hurler syndrome; Mucopolysaccharidosis, MPS-I-H/S; Mucopolysaccharidosis, MPS-I-S. Last evaluated: 2024-04-17. Review status: criteria provided, single submitter. Criteria: ACMG Guidelines, 2015. Collection method: clinical testing. Allele origin: germline. Not counted in ClinVar's aggregate classification.

Broad Center for Mendelian Genomics, Broad Institute of MIT and Harvard
Classification: Pathogenic for Mucopolysaccharidosis type 1. Last evaluated: 2020-01-13. Review status: criteria provided, single submitter. Criteria: ACMG Guidelines, 2015. Collection method: curation. Allele origin: germline. Inheritance: Autosomal recessive inheritance. Not counted in ClinVar's aggregate classification.
Comment: The p.Arg89Gln variant in IDUA has been reported in at least 13 individuals with mucopolysaccharidosis (MPS), segregated with disease in 5 affected relatives from 2 families (PMID: 8213840, 8664897, 14559116, 28752568, 11735025, 21480867, and has been identified in 0.006% (1/16554) of East Asian chromosomes and 0.001% (1/94316) of European (non-Finnish) chromosomes by the Genome Aggregation Database (gnomAD; dbSNP rs121965029). Although this variant has been seen in the general population, its frequency is not high enough to rule out a pathogenic role. This variant has been reported pathogenic in ClinVar by Integrated Genetics, OMIM, and GeneReviews (VariationID: 26961). In vitro functional studies provide some evidence that the p.Arg89Gln variant may impact protein function based on reduced protein levels in cells transfected with the variant (PMID: 14559116). However, these types of assays may not accurately represent biological function. The presence of this variant in 4 affected homozygotes and in combination with at least 1 reported pathogenic variant and in 2 individuals with MPS increases the likelihood that the p.Arg89Gln variant is pathogenic (VariationID: 11908; PMID: 8213840, 8664897, 14559116, 28752568). The phenotype of individuals homozygous and heterozygous for this variant is highly specific for MPS based on significantly reduced alpha-L-iduronidase activity levels consistent with disease (PMID: 14559116). The p.Arg89Gln is located in the active site of IDUA, suggesting that this variant is in a functional domain and supports pathogenicity (PMID: 14559116, 15862278). In summary, this variant meets criteria to be classified as pathogenic for MPS in an autosomal recessive manner based on multiple occurrences with pathogenic IDUA variants in individuals with MPS, in vitro functional studies, and low prevalence of the variant in the population. ACMG/AMP Criteria applied: PM3_strong, PM2, PM1, PS3_moderate, PP3, PM5_supporting, PP4, PP1 (Richards 2015).

Women's Health and Genetics/Laboratory Corporation of America, LabCorp
Classification: Pathogenic for Mucopolysaccharidosis type I. Last evaluated: 2018-03-22. Review status: criteria provided, single submitter. Criteria: LabCorp Variant Classification Summary - May 2015. Collection method: clinical testing. Allele origin: germline. Not counted in ClinVar's aggregate classification.
Comment: Variant summary: IDUA c.266G>A (p.Arg89Gln) results in a conservative amino acid change located in the Glycoside hydrolase superfamily of the encoded protein sequence. Four of five in-silico tools predict a damaging effect of the variant on protein function. The variant was absent in 62804 control chromosomes (ExAC). The variant, c.266G>A has been reported in the literature in multiple individuals affected with Mucopolysaccharidosis Type 1. These data indicate that the variant is very likely to be associated with disease. At least one publication reports experimental evidence evaluating an impact on protein function. The most pronounced variant effect results in <10% of normal activity. A reputable database, GeneReviews classifies the variant as "pathogenic." Based on the evidence outlined above, the variant was classified as pathogenic.

Juno Genomics, Hangzhou Juno Genomics, Inc
Classification: Pathogenic for Hurler syndrome; Mucopolysaccharidosis, MPS-I-H/S; Mucopolysaccharidosis, MPS-I-S. Review status: criteria provided, single submitter. Criteria: ACMG Guidelines, 2015. Collection method: clinical testing. Allele origin: germline. Not counted in ClinVar's aggregate classification.
Comment: Absent from controls (or at extremely low frequency if recessive) in Genome Aggregation Database.;Multiple lines of computational evidence support a deleterious effect on the gene or gene product.;For recessive disorders, detected in trans with a pathogenic variant.;Patient's phenotype or family history is highly specific for a disease with a single genetic etiology.;Located in a mutational hot spot and/or critical and well-established functional domain without benign variation.

GeneReviews
Classification: Pathogenic for Mucopolysaccharidosis type 1. Last evaluated: 2021-02-22. Review status: no assertion criteria provided. Collection method: literature only. Allele origin: germline. Not counted in ClinVar's aggregate classification.
Comment: Common pathogenic variant in Japan; causes attenuated MPS I. May change ability of α-L-iduronidase to affect catalysis. Deleterious effect appears to be potentiated by a polymorphism, p.Ala361Thr

OMIM
Classification: Pathogenic for HURLER-SCHEIE SYNDROME. Last evaluated: 1996-01-01. Review status: no assertion criteria provided. Collection method: literature only. Allele origin: germline. Not counted in ClinVar's aggregate classification.

OMIM
Classification: Pathogenic for HURLER SYNDROME. Last evaluated: 1996-01-01. Review status: no assertion criteria provided. Collection method: literature only. Allele origin: germline. Not counted in ClinVar's aggregate classification.

Literature cited by the submitters: PubMed 8680403 (cited by Labcorp Genetics (formerly Invitae), Labcorp); PubMed 21462124 (cited by Labcorp Genetics (formerly Invitae), Labcorp); PubMed 29282708 (cited by Labcorp Genetics (formerly Invitae), Labcorp); PubMed 8213840 (cited by 3 submitters); PubMed 12559846 (cited by Natera, Inc.); PubMed 21480867 (cited by 3 submitters); PubMed 29976218 (cited by Natera, Inc.); PubMed 11735025 (cited by Broad Center for Mendelian Genomics, Broad Institute of MIT and Harvard and Women's Health and Genetics/Laboratory Corporation of America, LabCorp); PubMed 14559116 (cited by Broad Center for Mendelian Genomics, Broad Institute of MIT and Harvard and Women's Health and Genetics/Laboratory Corporation of America, LabCorp); PubMed 28752568 (cited by Broad Center for Mendelian Genomics, Broad Institute of MIT and Harvard); PubMed 8664897 (cited by Broad Center for Mendelian Genomics, Broad Institute of MIT and Harvard and OMIM); PubMed 15862278 (cited by Broad Center for Mendelian Genomics, Broad Institute of MIT and Harvard).

NM_000203.5(IDUA):c.266G>A (p.Arg89Gln)

Genes: IDUA (alpha-L-iduronidase; plus strand), SLC26A1 (solute carrier family 26 member 1; minus strand). Cytogenetic location: 4p16.3.
Variant type: single nucleotide variant.
Coding change: c.266G>A on transcript NM_000203.5 (MANE Select); coding-DNA position 266, G replaced by A.
Protein change: p.Arg89Gln; replaces arginine 89 with glutamine.
Molecular consequence: missense variant. On other transcripts: 3 prime UTR variant (2), non-coding transcript variant (1), intron variant (1).
Genome position (GRCh38, 1-based): chr4:987,916, G>A. VCF-style: chr4-987916-G-A. GRCh37 (hg19) VCF-style: chr4-981704-G-A.
Other names: NM_000203.5(IDUA):c.266G>A; c.266G>A (NM_000203.4); c.*917C>T (NM_022042.4, NM_213613.4); c.576+3212C>T (NM_134425.4); short protein forms R89Q.
Identifiers: ClinVar variation 11922 (VCV000011922.18), dbSNP rs121965029, ClinGen allele CA256124.